The following is an entry in ClinVar:

NM_000540.3(RYR1):c.8817-49_8855del

Gene: RYR1 (ryanodine receptor 1; plus strand). Cytogenetic location: 19q13.2.
Variant type: Deletion.
Coding change: c.8817-49_8855del on transcript NM_000540.3 (MANE Select); 49 bases into the intron before coding-DNA position 8817 through coding-DNA position 8855, 88 bases deleted.
Molecular consequence: splice acceptor variant.
Genome position (GRCh38, 1-based): chr19:38,507,663-38,507,750, 88 bases deleted. GRCh37 (hg19): chr19:38,998,303-38,998,390.
Other names: c.8817-49_8855del (NM_001042723.2).
Identifiers: ClinVar variation 4294446 (VCV004294446.1).

ClinVar aggregate classification (germline): Likely pathogenic (1 of 4 stars; one submission).

Conditions:
Congenital multicore myopathy with external ophthalmoplegia (CMYO1B). Also called: Congenital myopathy 1B, autosomal recessive; Minicore myopathy; MULTICORE MYOPATHY; MULTIMINICORE DISEASE WITH EXTERNAL OPHTHALMOPLEGIA; Minicore myopathy with external ophthalmoplegia. Identifiers: Orphanet 598, Orphanet 98905, MedGen C1850674, MONDO:0009712, OMIM 255320, HP:0003789.

Submission:

Molecular Genetics Department, Kulakov National Medical Research Center for Obstetrics, Gynecology and Perinatology
Classification: Likely pathogenic for Congenital multicore myopathy with external ophthalmoplegia. Review status: criteria provided, single submitter. Criteria: ACMG Guidelines, 2015. Collection method: clinical testing. Allele origin: germline. Affected: yes. Observed: 1 variant allele.
Comment: A previously undescribed heterozygous nucleotide variant creates an alteration of the canonical splice site c.8817-49_8855del in the RYR1 gene. Homozygous and compound heterozygous congenital myopathy 1B, autosomal recessive, 255320. The variant is not present in population database (gnomAD no frequency). In summary, the currently available evidence indicates that the variant is pathogenic, but additional data are needed to prove that conclusively. Therefore, this variant has been classified as likely pathogenic.